The following is an entry in ClinVar:

ClinVar aggregate classification (germline): Uncertain significance (1 of 4 stars; one submission).

gnomAD v4.1: 1 of 1,614,094 alleles (0.000062%); highest among the groups gnomAD compares: African/African-American, 0.0013%; no homozygotes.

Submission:

GeneDx
Classification: Uncertain significance. Last evaluated: 2024-11-20. Review status: criteria provided, single submitter. Criteria: GeneDx Variant Classification Process June 2021. Collection method: clinical testing. Allele origin: germline.
Comment: Not observed at significant frequency in large population cohorts (gnomAD); In silico analysis indicates that this missense variant does not alter protein structure/function; Has not been previously published as pathogenic or benign to our knowledge

NM_005909.5(MAP1B):c.4987A>G (p.Ser1663Gly)

Gene: MAP1B (microtubule associated protein 1B; plus strand). Cytogenetic location: 5q13.2.
Variant type: single nucleotide variant.
Coding change: c.4987A>G on transcript NM_005909.5 (MANE Select); coding-DNA position 4987, A replaced by G.
Protein change: p.Ser1663Gly; replaces serine 1663 with glycine.
Molecular consequence: missense variant.
Genome position (GRCh38, 1-based): chr5:72,198,342, A>G. VCF-style: chr5-72198342-A-G. GRCh37 (hg19) VCF-style: chr5-71494169-A-G.
Other names: c.4609A>G, p.Ser1537Gly (NM_001324255.2); short protein forms S1537G, S1663G.
Identifiers: ClinVar variation 3369006 (VCV003369006.2).